The following is an entry in ClinVar:

NM_139057.4(ADAMTS17):c.3209T>C (p.Met1070Thr)

Gene: ADAMTS17 (ADAM metallopeptidase with thrombospondin type 1 motif 17; minus strand). Cytogenetic location: 15q26.3.
Variant type: single nucleotide variant.
Coding change: c.3209T>C on transcript NM_139057.4 (MANE Select); coding-DNA position 3209, T replaced by C.
Protein change: p.Met1070Thr; replaces methionine 1070 with threonine.
Molecular consequence: missense variant.
Genome position (GRCh38, 1-based): chr15:99,974,481, A>G on the plus strand (T>C on the coding strand, the complement: ADAMTS17 is on the minus strand). VCF-style: chr15-99974481-A-G. GRCh37 (hg19) VCF-style: chr15-100514686-A-G.
Other names: short protein forms M1070T.
Identifiers: ClinVar variation 3618176 (VCV003618176.2).

ClinVar aggregate classification (germline): Uncertain significance (1 of 4 stars; one submission).

Submission:

Labcorp Genetics (formerly Invitae), Labcorp
Classification: Uncertain significance. Last evaluated: 2024-11-05. Review status: criteria provided, single submitter. Criteria: Invitae Variant Classification Sherloc (09022015). Collection method: clinical testing. Allele origin: germline.
Comment: This sequence change replaces methionine, which is neutral and non-polar, with threonine, which is neutral and polar, at codon 1070 of the ADAMTS17 protein (p.Met1070Thr). This variant is present in population databases (rs760823694, gnomAD 0.007%). This variant has not been reported in the literature in individuals affected with ADAMTS17-related conditions. An algorithm developed to predict the effect of missense changes on protein structure and function (PolyPhen-2) suggests that this variant is likely to be disruptive. In summary, the available evidence is currently insufficient to determine the role of this variant in disease. Therefore, it has been classified as a Variant of Uncertain Significance.